The following is an entry in ClinVar:

NM_001127208.3(TET2):c.2831A>C (p.Lys944Thr)

Genes: TET2 (tet methylcytosine dioxygenase 2; plus strand), TET2-AS1 (TET2 antisense RNA 1; minus strand). Cytogenetic location: 4q24.
Variant type: single nucleotide variant.
Coding change: c.2831A>C on transcript NM_001127208.3 (MANE Select); coding-DNA position 2831, A replaced by C.
Protein change: p.Lys944Thr; replaces lysine 944 with threonine.
Molecular consequence: missense variant.
Genome position (GRCh38, 1-based): chr4:105,236,773, A>C. VCF-style: chr4-105236773-A-C. GRCh37 (hg19) VCF-style: chr4-106157930-A-C.
Other names: c.2831A>C, p.Lys944Thr (NM_017628.4); short protein forms K944T.
Identifiers: ClinVar variation 4182949 (VCV004182949.1).

ClinVar aggregate classification (germline): Uncertain significance (1 of 4 stars; one submission).

Submission:

Ambry Genetics
Classification: Uncertain significance. Last evaluated: 2025-07-06. Review status: criteria provided, single submitter. Criteria: Ambry Variant Classification Scheme 2023. Collection method: clinical testing. Allele origin: germline.
Comment: The p.K944T variant (also known as c.2831A>C), located in coding exon 1 of the TET2 gene, results from an A to C substitution at nucleotide position 2831. The lysine at codon 944 is replaced by threonine, an amino acid with similar properties. This amino acid position is conserved. In addition, this alteration is predicted to be tolerated by in silico analysis. Based on the available evidence, the clinical significance of this variant remains unclear.